The following is an entry in ClinVar:

ClinVar aggregate classification (germline): Uncertain significance. Review status: criteria provided, multiple submitters, no conflicts (2 of 4 stars). 2 submissions from 2 submitters: Uncertain significance (2). Last evaluated 2023-05-07.

Conditions:
Gastrointestinal stromal tumor. Also called: Gastrointestinal stromal tumor, somatic; Gastrointestinal stroma tumor. Identifiers: Orphanet 44890, MedGen C0238198, MeSH D046152, MONDO:0011719, OMIM 606764, HP:0100723.
Hereditary cancer-predisposing syndrome. Also called: Neoplastic Syndromes, Hereditary; Tumor predisposition; Hereditary Cancer Syndrome; Hereditary neoplastic syndrome. Identifiers: Orphanet 140162, MedGen C0027672, MeSH D009386, MONDO:0015356.

Submissions (2):

Labcorp Genetics (formerly Invitae), Labcorp
Classification: Uncertain significance for Gastrointestinal stromal tumor. Last evaluated: 2023-05-07. Review status: criteria provided, single submitter. Criteria: Invitae Variant Classification Sherloc (09022015). Collection method: clinical testing. Allele origin: germline.
Comment: ClinVar contains an entry for this variant (Variation ID: 1793126). An algorithm developed to predict the effect of missense changes on protein structure and function (PolyPhen-2) suggests that this variant is likely to be disruptive. This variant has not been reported in the literature in individuals affected with PDGFRA-related conditions. This variant is not present in population databases (gnomAD no frequency). This sequence change replaces serine, which is neutral and polar, with asparagine, which is neutral and polar, at codon 854 of the PDGFRA protein (p.Ser854Asn). In summary, the available evidence is currently insufficient to determine the role of this variant in disease. Therefore, it has been classified as a Variant of Uncertain Significance. Algorithms developed to predict the effect of sequence changes on RNA splicing suggest that this variant may disrupt the consensus splice site.

Ambry Genetics
Classification: Uncertain significance for Hereditary cancer-predisposing syndrome. Last evaluated: 2022-02-28. Review status: criteria provided, single submitter. Criteria: Ambry Variant Classification Scheme 2023. Collection method: clinical testing. Allele origin: germline.
Comment: The p.S854N variant (also known as c.2561G>A), located in coding exon 17 of the PDGFRA gene, results from a G to A substitution at nucleotide position 2561. The serine at codon 854 is replaced by asparagine, an amino acid with highly similar properties. This amino acid position is highly conserved in available vertebrate species. In addition, the in silico prediction for this alteration is inconclusive. Since supporting evidence is limited at this time, the clinical significance of this alteration remains unclear.

NM_006206.6(PDGFRA):c.2561G>A (p.Ser854Asn)

Gene: PDGFRA (platelet derived growth factor receptor alpha; plus strand). Cytogenetic location: 4q12.
Variant type: single nucleotide variant.
Coding change: c.2561G>A on transcript NM_006206.6 (MANE Select); coding-DNA position 2561, G replaced by A.
Protein change: p.Ser854Asn; replaces serine 854 with asparagine.
Molecular consequence: missense variant.
Genome position (GRCh38, 1-based): chr4:54,285,962, G>A. VCF-style: chr4-54285962-G-A. GRCh37 (hg19) VCF-style: chr4-55152129-G-A.
Other names: c.2636G>A, p.Ser879Asn (NM_001347828.2); c.2561G>A, p.Ser854Asn (NM_001347829.2); c.2600G>A, p.Ser867Asn (NM_001347830.2); short protein forms S854N, S867N, S879N.
Identifiers: ClinVar variation 1793126 (VCV001793126.5), dbSNP rs2110338452, ClinGen allele CA356895108.